The following is an entry in ClinVar:

ClinVar aggregate classification (germline): Likely pathogenic (1 of 4 stars; one submission).

Conditions:
Congenital stationary night blindness 1E. Also called: Night blindness, congenital stationary (complete), 1E, autosomal recessive. Identifiers: Orphanet 215, MedGen C3281215, MONDO:0013807, OMIM 614565.

Submission:

Juno Genomics, Hangzhou Juno Genomics, Inc
Classification: Likely pathogenic for Congenital stationary night blindness 1E. Review status: criteria provided, single submitter. Criteria: ACMG Guidelines, 2015. Collection method: clinical testing. Allele origin: germline. Affected: yes.
Comment: Null variant in a gene where loss of function (LOF) is a known mechanism of disease.;Absent from controls (or at extremely low frequency if recessive) in Genome Aggregation Database, Exome Sequencing Project, 1000 Genomes Project, or Exome Aggregation Consortium.

NM_001004334.4(GPR179):c.951C>A (p.Cys317Ter)

Gene: GPR179 (G protein-coupled receptor 179; minus strand). Cytogenetic location: 17q12.
Variant type: single nucleotide variant.
Coding change: c.951C>A on transcript NM_001004334.4 (MANE Select); coding-DNA position 951, C replaced by A.
Protein change: p.Cys317Ter; replaces cysteine 317 with a stop codon.
Molecular consequence: nonsense.
Genome position (GRCh38, 1-based): chr17:38,337,673, G>T on the plus strand (C>A on the coding strand, the complement: GPR179 is on the minus strand). VCF-style: chr17-38337673-G-T. GRCh37 (hg19) VCF-style: chr17-36493556-G-T.
Other names: short protein forms C317*.
Identifiers: ClinVar variation 3382988 (VCV003382988.2).
Genomic context (GRCh38, chr17:38,337,673, plus strand): 5'-CCCCCACCACACTTACATACCCCCAGAGGGGCTTGCCCCGTAGAATCCAGGTCGGCAGCG[G>T]CAGAGGTAGCGGCCAAGAACAAAGCCCTGACTCTCCAGGGGGACACACTATGGGGACAAC-3'